The following is an entry in ClinVar:

NM_020975.6(RET):c.3179A>T (p.Lys1060Ile)

Gene: RET (ret proto-oncogene; plus strand). Cytogenetic location: 10q11.21.
Variant type: single nucleotide variant.
Coding change: c.3179A>T on transcript NM_020975.6 (MANE Select); coding-DNA position 3179, A replaced by T.
Protein change: p.Lys1060Ile; replaces lysine 1060 with isoleucine.
Molecular consequence: missense variant. On other transcripts: intron variant (4).
Genome position (GRCh38, 1-based): chr10:43,126,714, A>T. VCF-style: chr10-43126714-A-T. GRCh37 (hg19) VCF-style: chr10-43622162-A-T.
Other names: c.2417A>T, p.Lys806Ile (NM_001355216.2); c.3179A>T, p.Lys1060Ile (NM_001406743.1, NM_001406744.1, NM_020630.7); c.3050A>T, p.Lys1017Ile (NM_001406761.1, NM_001406762.1, NM_001406764.1); c.3044A>T, p.Lys1015Ile (NM_001406763.1, NM_001406765.1); c.2891A>T, p.Lys964Ile (NM_001406766.1, NM_001406767.1, NM_001406770.1); c.2915A>T, p.Lys972Ile (NM_001406768.1); c.2783A>T, p.Lys928Ile (NM_001406769.1, NM_001406772.1); c.2741A>T, p.Lys914Ile (NM_001406771.1, NM_001406773.1); and 13 more; short protein forms K1015I, K1017I, K730I, K928I, K1060I, K577I, K625I, K818I.
Identifiers: ClinVar variation 3727737 (VCV003727737.2).

ClinVar aggregate classification (germline): Uncertain significance (1 of 4 stars; one submission).

Conditions:
Multiple endocrine neoplasia, type 2 (MEN2). Identifiers: Orphanet 653, MedGen C4048306, MONDO:0019003. Disease mechanism: gain of function.

Submission:

Labcorp Genetics (formerly Invitae), Labcorp
Classification: Uncertain significance for Multiple endocrine neoplasia, type 2. Last evaluated: 2024-12-22. Review status: criteria provided, single submitter. Criteria: Invitae Variant Classification Sherloc (09022015). Collection method: clinical testing. Allele origin: germline.
Comment: This sequence change replaces lysine, which is basic and polar, with isoleucine, which is neutral and non-polar, at codon 1060 of the RET protein (p.Lys1060Ile). This variant is not present in population databases (gnomAD no frequency). This variant has not been reported in the literature in individuals affected with RET-related conditions. An algorithm developed to predict the effect of missense changes on protein structure and function (PolyPhen-2) suggests that this variant is likely to be disruptive. In summary, the available evidence is currently insufficient to determine the role of this variant in disease. Therefore, it has been classified as a Variant of Uncertain Significance.